The following is an entry in ClinVar:

NM_006941.4(SOX10):c.193G>C (p.Asp65His)

Genes: POLR2F (RNA polymerase II, I and III subunit F; plus strand), SOX10 (SRY-box transcription factor 10; minus strand). Cytogenetic location: 22q13.1.
Variant type: single nucleotide variant.
Coding change: c.193G>C on transcript NM_006941.4 (MANE Select); coding-DNA position 193, G replaced by C.
Protein change: p.Asp65His; replaces aspartic acid 65 with histidine.
Molecular consequence: missense variant. On other transcripts: intron variant (3).
Genome position (GRCh38, 1-based): chr22:37,983,592, C>G on the plus strand (G>C on the coding strand, the complement: SOX10 is on the minus strand). VCF-style: chr22-37983592-C-G. GRCh37 (hg19) VCF-style: chr22-38379599-C-G.
Other names: c.*38+11282C>G (NM_001363825.1); c.294-2562C>G (NM_001301130.2); c.293+16422C>G (NM_001301131.2); short protein forms D65H.
Identifiers: ClinVar variation 3384646 (VCV003384646.1).

ClinVar aggregate classification (germline): Uncertain significance (1 of 4 stars; one submission).

gnomAD v4.1: 7 of 1,608,942 alleles (0.00044%); highest among the groups gnomAD compares: South Asian, 0.0011%; no homozygotes.

Submission:

GeneDx
Classification: Uncertain significance. Last evaluated: 2024-06-07. Review status: criteria provided, single submitter. Criteria: GeneDx Variant Classification Process June 2021. Collection method: clinical testing. Allele origin: germline. Affected: yes.
Comment: Not observed at significant frequency in large population cohorts (gnomAD); In silico analysis supports that this missense variant has a deleterious effect on protein structure/function; Has not been previously published as pathogenic or benign to our knowledge